The following is an entry in ClinVar:

ClinVar aggregate classification (germline): Uncertain significance. Review status: criteria provided, multiple submitters, no conflicts (2 of 4 stars). 2 submissions from 2 submitters: Uncertain significance (2). Last evaluated 2025-05-22.

Conditions:
Inborn genetic diseases. Identifiers: MedGen C0950123, MeSH D030342.

gnomAD v4.1: 10 of 1,613,706 alleles (0.00062%); highest among the groups gnomAD compares: Non-Finnish European, 0.00076%; no homozygotes.

Submissions (2):

Labcorp Genetics (formerly Invitae), Labcorp
Classification: Uncertain significance. Last evaluated: 2025-05-22. Review status: criteria provided, single submitter. Criteria: Invitae Variant Classification Sherloc (09022015). Collection method: clinical testing. Allele origin: germline.
Comment: This sequence change replaces histidine, which is basic and polar, with arginine, which is basic and polar, at codon 1209 of the DUOX2 protein (p.His1209Arg). This variant is not present in population databases (gnomAD no frequency). This variant has not been reported in the literature in individuals affected with DUOX2-related conditions. ClinVar contains an entry for this variant (Variation ID: 3505742). Invitae Evidence Modeling of protein sequence and biophysical properties (such as structural, functional, and spatial information, amino acid conservation, physicochemical variation, residue mobility, and thermodynamic stability) indicates that this missense variant is not expected to disrupt DUOX2 protein function with a negative predictive value of 80%. In summary, the available evidence is currently insufficient to determine the role of this variant in disease. Therefore, it has been classified as a Variant of Uncertain Significance.

Ambry Genetics
Classification: Uncertain significance for Inborn genetic diseases. Last evaluated: 2024-09-26. Review status: criteria provided, single submitter. Criteria: Ambry Variant Classification Scheme 2023. Collection method: clinical testing. Allele origin: germline.

NM_001363711.2(DUOX2):c.3626A>G (p.His1209Arg)

Gene: DUOX2 (dual oxidase 2; minus strand). Cytogenetic location: 15q21.1.
Variant type: single nucleotide variant.
Coding change: c.3626A>G on transcript NM_001363711.2 (MANE Select); coding-DNA position 3626, A replaced by G.
Protein change: p.His1209Arg; replaces histidine 1209 with arginine.
Molecular consequence: missense variant.
Genome position (GRCh38, 1-based): chr15:45,097,681, T>C on the plus strand (A>G on the coding strand, the complement: DUOX2 is on the minus strand). VCF-style: chr15-45097681-T-C. GRCh37 (hg19) VCF-style: chr15-45389879-T-C.
Other names: c.3626A>G, p.His1209Arg (NM_014080.5); short protein forms H1209R.
Identifiers: ClinVar variation 3505742 (VCV003505742.2).